The following is an entry in ClinVar:

ClinVar aggregate classification (germline): Conflicting classifications of pathogenicity. Review status: criteria provided, conflicting classifications (1 of 4 stars). 2 submissions from 2 submitters: Uncertain significance (1); Likely benign (1). Last evaluated 2023-03-23.

Conditions:
Hereditary cancer-predisposing syndrome. Also called: Neoplastic Syndromes, Hereditary; Hereditary neoplastic syndrome; Hereditary Cancer Syndrome; Tumor predisposition. Identifiers: Orphanet 140162, MedGen C0027672, MeSH D009386, MONDO:0015356.

Submissions (3):

University of Washington Department of Laboratory Medicine, University of Washington
Classification: Likely benign for Hereditary cancer-predisposing syndrome. Last evaluated: 2023-03-23. Review status: criteria provided, single submitter. Criteria: Dines et al. (Genet Med. 2020). Collection method: curation. Allele origin: germline.
Comment: Missense variant in a coldspot region where missense variants are very unlikely to be pathogenic (PMID:31911673).

BRCA2 exon 11 coldspot. Reclassification based on statistical prior probability.

Women's Health and Genetics/Laboratory Corporation of America, LabCorp
Classification: Uncertain significance. Last evaluated: 2022-11-22. Review status: criteria provided, single submitter. Criteria: LabCorp Variant Classification Summary - May 2015. Collection method: clinical testing. Allele origin: germline.
Comment: Variant summary: BRCA2 c.6235G>A (p.Val2079Met) results in a conservative amino acid change located in the BRCA2 repeat (IPR002093) of the encoded protein sequence. Four of four in-silico tools predict a benign effect of the variant on protein function. The variant was absent in 247276 control chromosomes (gnomAD). The available data on variant occurrences in the general population are insufficient to allow any conclusion about variant significance. p.Val2079Met has been reported in the literature in individual(s) affected with Pancreatic ductal adenocarcinoma (Principe_2022). This report does not provide unequivocal conclusions about association of the variant with disease. To our knowledge, no experimental evidence demonstrating an impact on protein function has been reported. No clinical diagnostic laboratories have submitted clinical-significance assessments for this variant to ClinVar after 2014. Based on the evidence outlined above, the variant was classified as uncertain significance.

Dr. Peter K. Rogan Lab, Western University
No classification provided (evidence only). Condition: Pancreatic adenocarcinoma. Review status: no classification provided. Collection method: in vitro. Allele origin: not applicable. Functional consequence: retained intron. Not counted in ClinVar's aggregate classification.

Literature cited by the submitters: PubMed 35205643 (cited by Women's Health and Genetics/Laboratory Corporation of America, LabCorp).

NM_000059.4(BRCA2):c.6235G>A (p.Val2079Met)

Gene: BRCA2 (BRCA2 DNA repair associated; plus strand). Cytogenetic location: 13q13.1.
Variant type: single nucleotide variant.
Coding change: c.6235G>A on transcript NM_000059.4 (MANE Select); coding-DNA position 6235, G replaced by A.
Protein change: p.Val2079Met; replaces valine 2079 with methionine.
Molecular consequence: missense variant.
Genome position (GRCh38, 1-based): chr13:32,340,590, G>A. VCF-style: chr13-32340590-G-A. GRCh37 (hg19) VCF-style: chr13-32914727-G-A.
Other names: NC_000013.10:g.32914727G>A; c.6235G>A, p.Val2079Met (NM_001406719.1, NM_001406720.1); short protein forms V2079M.
Identifiers: ClinVar variation 1804780 (VCV001804780.4), dbSNP rs886037812, ClinGen allele CA387788898.